The following is an entry in ClinVar:

NM_004736.4(XPR1):c.143A>G (p.Lys48Arg)

Gene: XPR1 (xenotropic and polytropic retrovirus receptor 1; plus strand). Cytogenetic location: 1q25.3.
Variant type: single nucleotide variant.
Coding change: c.143A>G on transcript NM_004736.4 (MANE Select); coding-DNA position 143, A replaced by G.
Protein change: p.Lys48Arg; replaces lysine 48 with arginine.
Molecular consequence: missense variant. On other transcripts: non-coding transcript variant (1).
Genome position (GRCh38, 1-based): chr1:180,787,774, A>G. VCF-style: chr1-180787774-A-G. GRCh37 (hg19) VCF-style: chr1-180756910-A-G.
Other names: c.143A>G, p.Lys48Arg (NM_001135669.2, NM_001328662.2); short protein forms K48R.
Identifiers: ClinVar variation 2579555 (VCV002579555.1), dbSNP rs2525765873, ClinGen allele CA343841773.
Genomic context (GRCh38, chr1:180,787,774, plus strand): 5'-TTGGACATTAAATTTAAATATTGTTTTCCTGTCTTTCAGTTACAGATGAGGACACAGTAA[A>G]GAGGTATTTTGCCAAGTTTGAAGAGAAGTTTTTCCAAACCTGTGAAAAAGAACTTGCCAA-3'
Protein context (NP_004727.2, residues 38-58): SVEVTDEDTV[Lys48Arg]RYFAKFEEKF

ClinVar aggregate classification (germline): Uncertain significance (1 of 4 stars; one submission).

Allele frequency attached by ClinVar (database versions not stated): gnomAD exomes below 0.00001.
gnomAD v4.1: 1 of 1,612,936 alleles (0.000062%); highest among the groups gnomAD compares: Non-Finnish European, 0.000085%; no homozygotes.

Submission:

GeneDx
Classification: Uncertain significance. Last evaluated: 2023-03-05. Review status: criteria provided, single submitter. Criteria: GeneDx Variant Classification Process June 2021. Collection method: clinical testing. Allele origin: germline. Affected: yes.
Comment: Not observed at significant frequency in large population cohorts (gnomAD); In silico analysis supports that this missense variant does not alter protein structure/function; Has not been previously published as pathogenic or benign to our knowledge